The following is an entry in ClinVar:

NM_001363.5(DKC1):c.1373C>G (p.Thr458Ser)

Gene: DKC1 (dyskerin pseudouridine synthase 1; plus strand). Cytogenetic location: Xq28.
Variant type: single nucleotide variant.
Coding change: c.1373C>G on transcript NM_001363.5 (MANE Select); coding-DNA position 1373, C replaced by G.
Protein change: p.Thr458Ser; replaces threonine 458 with serine.
Molecular consequence: missense variant. On other transcripts: 3 prime UTR variant (1), non-coding transcript variant (3).
Genome position (GRCh38, 1-based): chrX:154,776,221, C>G. VCF-style: chrX-154776221-C-G. GRCh37 (hg19) VCF-style: chrX-154004496-C-G.
Other names: c.1358C>G, p.Thr453Ser (NM_001142463.3); c.*599C>G (NM_001288747.2); short protein forms T453S, T458S.
Identifiers: ClinVar variation 999082 (VCV000999082.9), dbSNP rs2071893601, ClinGen allele CA414899541.
Genomic context (GRCh38, chrX:154,776,221, plus strand): 5'-CACTTAACCAATTGCTTTCATCTCAGCGGAAGCGAGAGAGTGAGAGTGAAAGTGACGAGA[C>G]TCCTCCAGCAGCTCCTCAGTTGATCAAGAAGGAAAAGAAGAAGAGTAAGAAGGACAAGAA-3'
Protein context (NP_001354.1, residues 448-468): KRESESESDE[Thr458Ser]PPAAPQLIKK

ClinVar aggregate classification (germline): Uncertain significance (1 of 4 stars; one submission).

Conditions:
Dyskeratosis congenita. Identifiers: Orphanet 1775, MedGen C0265965, MONDO:0015780.

Submission:

Labcorp Genetics (formerly Invitae), Labcorp
Classification: Uncertain significance for Dyskeratosis congenita. Last evaluated: 2021-02-18. Review status: criteria provided, single submitter. Criteria: Invitae Variant Classification Sherloc (09022015). Collection method: clinical testing. Allele origin: germline.
Comment: This variant is not present in population databases (ExAC no frequency). In summary, the available evidence is currently insufficient to determine the role of this variant in disease. Therefore, it has been classified as a Variant of Uncertain Significance. Algorithms developed to predict the effect of missense changes on protein structure and function output the following: SIFT: "Tolerated"; PolyPhen-2: "Benign"; Align-GVGD: "Class C0". The serine amino acid residue is found in multiple mammalian species, suggesting that this missense change does not adversely affect protein function. These predictions have not been confirmed by published functional studies and their clinical significance is uncertain. This variant has not been reported in the literature in individuals with DKC1-related conditions. This sequence change replaces threonine with serine at codon 458 of the DKC1 protein (p.Thr458Ser). The threonine residue is weakly conserved and there is a small physicochemical difference between threonine and serine.